The following is an entry in ClinVar:

ClinVar aggregate classification (germline): Likely benign. Review status: criteria provided, multiple submitters, no conflicts (2 of 4 stars). 3 submissions from 3 submitters: Likely benign (3). Last evaluated 2024-07-29.

Conditions:
Familial thoracic aortic aneurysm and aortic dissection (TAAD). Also called: Thoracic aortic aneurysms and dissections. Identifiers: Orphanet 91387, MedGen C4707243, MONDO:0019625.
Marfan syndrome (MFS). Also called: Marfan syndrome, classic; Marfan syndrome type 1; Marfan's syndrome; FBN1-Related Marfan Syndrome; MARFAN SYNDROME, TYPE I. Identifiers: Orphanet 284963, Orphanet 558, MedGen C0024796, MONDO:0007947, OMIM 154700.

Allele frequency attached by ClinVar (database versions not stated): gnomAD 0.00001 and below 0.00001; ExAC 0.00002; gnomAD exomes 0.00001 and 0.00002.
gnomAD v4.1: 20 of 1,613,730 alleles (0.0012%); highest among the groups gnomAD compares: South Asian, 0.021%; no homozygotes.

Submissions (3):

All of Us Research Program, National Institutes of Health
Classification: Likely benign for Marfan syndrome. Last evaluated: 2024-07-29. Review status: criteria provided, single submitter. Criteria: ACMG Guidelines, 2015. Collection method: clinical testing. Allele origin: germline. Inheritance: Autosomal dominant inheritance. Observed: 1 variant allele, 1 heterozygote.
Comment: This study involves interpretation of variants in research participants for the purpose of population health screening. Participant phenotype was not available at the time of variant classification. Additional details can be found in publication PMID: 35346344, PMCID: PMC8962531

Labcorp Genetics (formerly Invitae), Labcorp
Classification: Likely benign for Marfan syndrome; Familial thoracic aortic aneurysm and aortic dissection. Last evaluated: 2024-01-04. Review status: criteria provided, single submitter. Criteria: Invitae Variant Classification Sherloc (09022015). Collection method: clinical testing. Allele origin: germline.

Color Diagnostics, LLC DBA Color Health
Classification: Likely benign for Familial thoracic aortic aneurysm and aortic dissection. Last evaluated: 2020-04-27. Review status: criteria provided, single submitter. Criteria: ACMG Guidelines, 2015. Collection method: clinical testing. Allele origin: germline.

NM_000138.5(FBN1):c.3801T>C (p.Asp1267=)

Gene: FBN1 (fibrillin 1; minus strand). Cytogenetic location: 15q21.1.
Variant type: single nucleotide variant.
Coding change: c.3801T>C on transcript NM_000138.5 (MANE Select); coding-DNA position 3801, T replaced by C.
Protein change: p.Asp1267=; no amino-acid change (aspartic acid 1267 retained).
Molecular consequence: synonymous variant.
Genome position (GRCh38, 1-based): chr15:48,483,855, A>G on the plus strand (T>C on the coding strand, the complement: FBN1 is on the minus strand). VCF-style: chr15-48483855-A-G. GRCh37 (hg19) VCF-style: chr15-48776052-A-G.
Identifiers: ClinVar variation 924422 (VCV000924422.6), dbSNP rs769208631, ClinGen allele CA051550.